The following is an entry in ClinVar:

ClinVar aggregate classification (germline): Uncertain significance. Review status: criteria provided, multiple submitters, no conflicts (2 of 4 stars). 2 submissions from 2 submitters: Uncertain significance (2). Last evaluated 2023-04-01.

Conditions:
Immunodeficiency 35 (IMD35). Also called: TYK2 DEFICIENCY; Susceptibility to infection due to TYK2 deficiency; HIES WITH ATYPICAL MYCOBACTERIOSIS, AUTOSOMAL RECESSIVE; HYPER-IgE SYNDROME WITH ATYPICAL MYCOBACTERIOSIS, AUTOSOMAL RECESSIVE. Identifiers: Orphanet 331226, MedGen C1969086, MONDO:0012682, OMIM 611521.

Allele frequency attached by ClinVar (database versions not stated): gnomAD exomes 0.00001; ExAC 0.00005.
gnomAD v4.1: 7 of 1,497,312 alleles (0.00047%); highest among the groups gnomAD compares: Middle Eastern, 0.019%; no homozygotes.

Submissions (2):

CeGaT Center for Human Genetics Tuebingen
Classification: Uncertain significance. Last evaluated: 2023-04-01. Review status: criteria provided, single submitter. Criteria: CeGaT Center For Human Genetics Tuebingen Variant Classification Criteria Version 2. Collection method: clinical testing. Allele origin: germline. Affected: yes. Observed: 1 variant allele.
Comment: TYK2: PM2

Labcorp Genetics (formerly Invitae), Labcorp
Classification: Uncertain significance for Immunodeficiency 35. Last evaluated: 2019-02-18. Review status: criteria provided, single submitter. Criteria: Invitae Variant Classification Sherloc (09022015). Collection method: clinical testing. Allele origin: germline.
Comment: In summary, the available evidence is currently insufficient to determine the role of this variant in disease. Therefore, it has been classified as a Variant of Uncertain Significance. Algorithms developed to predict the effect of missense changes on protein structure and function output the following: SIFT: "Tolerated"; PolyPhen-2: "Benign"; Align-GVGD: "Class C0". The valine amino acid residue is found in multiple mammalian species, suggesting that this missense change does not adversely affect protein function. These predictions have not been confirmed by published functional studies and their clinical significance is uncertain. This variant has not been reported in the literature in individuals with TYK2-related conditions. This variant is present in population databases (rs764232789, ExAC 0.008%). This sequence change replaces isoleucine with valine at codon 995 of the TYK2 protein (p.Ile995Val). The isoleucine residue is weakly conserved and there is a small physicochemical difference between isoleucine and valine.

NM_003331.5(TYK2):c.2983A>G (p.Ile995Val)

Gene: TYK2 (tyrosine kinase 2; minus strand). Cytogenetic location: 19p13.2.
Variant type: single nucleotide variant.
Coding change: c.2983A>G on transcript NM_003331.5 (MANE Select); coding-DNA position 2983, A replaced by G.
Protein change: p.Ile995Val; replaces isoleucine 995 with valine.
Molecular consequence: missense variant.
Genome position (GRCh38, 1-based): chr19:10,353,572, T>C on the plus strand (A>G on the coding strand, the complement: TYK2 is on the minus strand). VCF-style: chr19-10353572-T-C. GRCh37 (hg19) VCF-style: chr19-10464248-T-C.
Other names: short protein forms I995V.
Identifiers: ClinVar variation 846629 (VCV000846629.32), dbSNP rs764232789, ClinGen allele CA9192852.